The following is an entry in ClinVar:

ClinVar aggregate classification (germline): Uncertain significance. Review status: criteria provided, multiple submitters, no conflicts (2 of 4 stars). 3 submissions from 3 submitters: Uncertain significance (3). Last evaluated 2025-07-14.

Conditions:
Familial hypobetalipoproteinemia 1. Also called: APOB-Related Familial Hypobetalipoproteinemia; Hypobetalipoproteinemia, normotriglyceridemic; Acanthocytosis with hypobetalipoproteinemia. Identifiers: MedGen C4551990, MONDO:0014252, OMIM 615558.
Hypercholesterolemia, autosomal dominant, type B (FHCL2). Also called: Familial Hypercholesterolemia Type B; APOLIPOPROTEIN B-100, FAMILIAL DEFECTIVE; APOLIPOPROTEIN B-100, FAMILIAL LIGAND-DEFECTIVE; HYPERCHOLESTEROLEMIA, FAMILIAL, DUE TO LIGAND-DEFECTIVE APOLIPOPROTEIN B; Hyperlipoproteinemia Type IIb; APOB-Related Familial Hypercholesterolemia, Autosomal Dominant. Identifiers: MedGen C1704417, MONDO:0007751, OMIM 144010.
Cardiovascular phenotype. Identifiers: MedGen CN230736.

Allele frequency attached by ClinVar (database versions not stated): TOPMed below 0.00001; gnomAD exomes 0.00001.
gnomAD v4.1: 8 of 1,605,798 alleles (0.0005%); highest among the groups gnomAD compares: Non-Finnish European, 0.00068%; no homozygotes.

Submissions (3):

GeneDx
Classification: Uncertain significance. Last evaluated: 2025-07-14. Review status: criteria provided, single submitter. Criteria: GeneDx Variant Classification Process June 2021. Collection method: clinical testing. Allele origin: germline. Affected: yes.
Comment: Not observed at significant frequency in large population cohorts (gnomAD); In silico analysis supports that this missense variant has a deleterious effect on protein structure/function; Has not been previously published as pathogenic or benign to our knowledge

Ambry Genetics
Classification: Uncertain significance for Cardiovascular phenotype. Last evaluated: 2025-03-13. Review status: criteria provided, single submitter. Criteria: Ambry Variant Classification Scheme 2023. Collection method: clinical testing. Allele origin: germline.
Comment: The p.P292S variant (also known as c.874C>T), located in coding exon 8 of the APOB gene, results from a C to T substitution at nucleotide position 874. The proline at codon 292 is replaced by serine, an amino acid with similar properties. This amino acid position is conserved. In addition, this alteration is predicted to be tolerated by in silico analysis. Based on the available evidence, the clinical significance of this variant remains unclear.

Labcorp Genetics (formerly Invitae), Labcorp
Classification: Uncertain significance for Familial hypobetalipoproteinemia 1; Hypercholesterolemia, autosomal dominant, type B. Last evaluated: 2022-08-04. Review status: criteria provided, single submitter. Criteria: Invitae Variant Classification Sherloc (09022015). Collection method: clinical testing. Allele origin: germline.
Comment: This sequence change replaces proline, which is neutral and non-polar, with serine, which is neutral and polar, at codon 292 of the APOB protein (p.Pro292Ser). This variant is present in population databases (no rsID available, gnomAD 0.003%). This variant has not been reported in the literature in individuals affected with APOB-related conditions. Algorithms developed to predict the effect of missense changes on protein structure and function output the following: SIFT: "Tolerated"; PolyPhen-2: "Probably Damaging"; Align-GVGD: "Class C0". The serine amino acid residue is found in multiple mammalian species, which suggests that this missense change does not adversely affect protein function. In summary, the available evidence is currently insufficient to determine the role of this variant in disease. Therefore, it has been classified as a Variant of Uncertain Significance.

NM_000384.3(APOB):c.874C>T (p.Pro292Ser)

Gene: APOB (apolipoprotein B; minus strand). Cytogenetic location: 2p24.1.
Variant type: single nucleotide variant.
Coding change: c.874C>T on transcript NM_000384.3 (MANE Select); coding-DNA position 874, C replaced by T.
Protein change: p.Pro292Ser; replaces proline 292 with serine.
Molecular consequence: missense variant.
Genome position (GRCh38, 1-based): chr2:21,034,846, G>A on the plus strand (C>T on the coding strand, the complement: APOB is on the minus strand). VCF-style: chr2-21034846-G-A. GRCh37 (hg19) VCF-style: chr2-21257718-G-A.
Other names: c.874C>T (NM_000384.2); short protein forms P292S.
Identifiers: ClinVar variation 2199087 (VCV002199087.6), dbSNP rs1047910426, ClinGen allele CA345960720.